The following is an entry in ClinVar:

ClinVar aggregate classification (germline): Conflicting classifications of pathogenicity. Review status: criteria provided, conflicting classifications (1 of 4 stars). 3 submissions from 2 submitters: Uncertain significance (1); Benign (1); Likely benign (1). Last evaluated 2025-09-21.

Conditions:
Pseudohypoaldosteronism, type IB1, autosomal recessive. Also called: Pseudohypoaldosteronism, Type I, Autosomal Recessive; PHA I, AUTOSOMAL RECESSIVE; Pseudohypoaldosteronism, Type I, Recessive; Autosomal recessive pseudohypoaldosteronism type 1. Identifiers: Orphanet 171876, Orphanet 756, MedGen C5774176, MONDO:0009917, OMIM 264350.
Bronchiectasis with or without elevated sweat chloride 2 (BESC2). Identifiers: Orphanet 60033, MedGen C2751666, MONDO:0013087, OMIM 613021.

Allele frequency attached by ClinVar (database versions not stated): gnomAD exomes 0.00011; ExAC 0.00016; ESP Exome Variant Server 0.00031; gnomAD 0.00035 and 0.00036; TOPMed 0.00043; 1000 Genomes Project 30x 0.00062; 1000 Genomes Project 0.00080.
gnomAD v4.1: 149 of 1,614,238 alleles (0.0092%); highest among the groups gnomAD compares: African/African-American, 0.12%; 2 homozygotes.

Submissions (3):

Labcorp Genetics (formerly Invitae), Labcorp
Classification: Likely benign. Last evaluated: 2025-09-21. Review status: criteria provided, single submitter. Criteria: Invitae Variant Classification Sherloc (09022015). Collection method: clinical testing. Allele origin: germline.

Illumina Laboratory Services, Illumina
Classification: Uncertain significance for Pseudohypoaldosteronism, type IB1, autosomal recessive. Last evaluated: 2018-01-12. Review status: criteria provided, single submitter. Criteria: ICSL Variant Classification Criteria 13 December 2019. Collection method: clinical testing. Allele origin: germline.

Illumina Laboratory Services, Illumina
Classification: Benign for Bronchiectasis with or without elevated sweat chloride 2. Last evaluated: 2018-01-12. Review status: criteria provided, single submitter. Criteria: ICSL Variant Classification Criteria 13 December 2019. Collection method: clinical testing. Allele origin: germline.
Comment: This variant was observed in the ICSL laboratory as part of a predisposition screen in an ostensibly healthy population. It had not been previously curated by ICSL or reported in the Human Gene Mutation Database (HGMD: prior to June 1st, 2018), and was therefore a candidate for classification through an automated scoring system. Utilizing variant allele frequency, disease prevalence and penetrance estimates, and inheritance mode, an automated score was calculated to assess if this variant is too frequent to cause the disease. Based on the score and internal cut-off values, a variant classified as benign is not then subjected to further curation. The score for this variant resulted in a classification of benign for this disease.

NM_001038.6(SCNN1A):c.840C>T (p.Phe280=)

Gene: SCNN1A (sodium channel epithelial 1 subunit alpha; minus strand). Cytogenetic location: 12p13.31.
Variant type: single nucleotide variant.
Coding change: c.840C>T on transcript NM_001038.6 (MANE Select); coding-DNA position 840, C replaced by T.
Protein change: p.Phe280=; no amino-acid change (phenylalanine 280 retained).
Molecular consequence: synonymous variant.
Genome position (GRCh38, 1-based): chr12:6,362,086, G>A on the plus strand (C>T on the coding strand, the complement: SCNN1A is on the minus strand). VCF-style: chr12-6362086-G-A. GRCh37 (hg19) VCF-style: chr12-6471252-G-A.
Other names: c.909C>T, p.Phe303= (NM_001159575.2); c.1017C>T, p.Phe339= (NM_001159576.2).
Identifiers: ClinVar variation 310147 (VCV000310147.12), dbSNP rs139335335, ClinGen allele CA6406097.
Genomic context (GRCh38, chr12:6,362,086, plus strand): 5'-AAGGAGCCAGGCAGGACTGACTCACGCCTGGTTGCAGGAGACCTGGTTGAAGCGGCAGGC[G>A]AAGATGAAGTTGCCCAGCGTGTCCTCCTCCAGGGATGGCAGAGTCTCTGGCAGCCTCGAC-3'
Protein context (NP_001029.1, residues 270-290): LEEDTLGNFI[Phe280=]ACRFNQVSCN